The following is an entry in ClinVar:

ClinVar aggregate classification (germline): Uncertain significance (1 of 4 stars; one submission).

Submission:

Labcorp Genetics (formerly Invitae), Labcorp
Classification: Uncertain significance. Last evaluated: 2025-05-09. Review status: criteria provided, single submitter. Criteria: Invitae Variant Classification Sherloc (09022015). Collection method: clinical testing. Allele origin: germline.
Comment: This sequence change replaces glutamic acid, which is acidic and polar, with aspartic acid, which is acidic and polar, at codon 2285 of the SPTA1 protein (p.Glu2285Asp). This variant is present in population databases (rs371341474, gnomAD 0.002%). This variant has not been reported in the literature in individuals affected with SPTA1-related conditions. Invitae Evidence Modeling of protein sequence and biophysical properties (such as structural, functional, and spatial information, amino acid conservation, physicochemical variation, residue mobility, and thermodynamic stability) has been performed for this missense variant. However, the output from this modeling did not meet the statistical confidence thresholds required to predict the impact of this variant on SPTA1 protein function. In summary, the available evidence is currently insufficient to determine the role of this variant in disease. Therefore, it has been classified as a Variant of Uncertain Significance.

NM_003126.4(SPTA1):c.6855G>T (p.Glu2285Asp)

Gene: SPTA1 (spectrin alpha, erythrocytic 1; minus strand). Cytogenetic location: 1q23.1.
Variant type: single nucleotide variant.
Coding change: c.6855G>T on transcript NM_003126.4 (MANE Select); coding-DNA position 6855, G replaced by T.
Protein change: p.Glu2285Asp; replaces glutamic acid 2285 with aspartic acid.
Molecular consequence: missense variant.
Genome position (GRCh38, 1-based): chr1:158,613,855, C>A on the plus strand (G>T on the coding strand, the complement: SPTA1 is on the minus strand). VCF-style: chr1-158613855-C-A. GRCh37 (hg19) VCF-style: chr1-158583645-C-A.
Other names: short protein forms E2285D.
Identifiers: ClinVar variation 4778729 (VCV004778729.1).
Genomic context (GRCh38, chr1:158,613,855, plus strand): 5'-GTAATTGAGTCCTCTCAGGCAGGACCGGAACTCTTTGTGAGTCAGGCGCCCTGTCAAATT[C>A]TCATCAAAGTGTCTAAAGGATAAAAAAAGAAAAAAAAATTTATCAAGCTCAATAGAAAAA-3'
Protein context (NP_003117.2, residues 2275-2295): EFSTIYKHFD[Glu2285Asp]NLTGRLTHKE